The following is an entry in ClinVar:

ClinVar aggregate classification (germline): Benign/Likely benign. Review status: criteria provided, multiple submitters, no conflicts (2 of 4 stars). 2 submissions from 2 submitters: Benign (1); Likely benign (1). Last evaluated 2023-09-05.

Submissions (2):

Mayo Clinic Laboratories, Mayo Clinic
Classification: Likely benign. Last evaluated: 2023-09-05. Review status: criteria provided, single submitter. Criteria: ACMG Guidelines, 2015. Collection method: clinical testing. Allele origin: germline. Observed: 6 variant alleles.
Comment: BP4, BP7

Labcorp Genetics (formerly Invitae), Labcorp
Classification: Benign. Last evaluated: 2017-05-08. Review status: criteria provided, single submitter. Criteria: Invitae Variant Classification Sherloc (09022015). Collection method: clinical testing. Allele origin: germline.

NM_005006.7(NDUFS1):c.154-15_154-9del

Gene: NDUFS1 (NADH:ubiquinone oxidoreductase core subunit S1; minus strand). Cytogenetic location: 2q33.3.
Variant type: Deletion.
Coding change: c.154-15_154-9del on transcript NM_005006.7 (MANE Select); 15 bases into the intron before coding-DNA position 154 through 9 bases into the intron before coding-DNA position 154, 7 bases deleted (TTTTTTT; older notation c.154-15_154-9delTTTTTTT).
Molecular consequence: intron variant.
Genome position (GRCh38, 1-based): chr2:206,149,934-206,149,940, AAAAAAA deleted on the plus strand (TTTTTTT on the coding strand, the reverse complement: NDUFS1 is on the minus strand); deleting any 7 consecutive bases within chr2:206,149,934-206,149,958 gives the same sequence; the c. name uses the placement nearest the transcript's 3' end. VCF-style (leftmost placement, unchanged base first): chr2-206149933-TAAAAAAA-T. GRCh37 (hg19) VCF-style: chr2-207014657-TAAAAAAA-T.
Other names: p.?; c.6-2106_6-2100del (NM_001199982.2); c.-18-15_-18-9del (NM_001199983.2); c.154-844_154-838del (NM_001199981.2); c.196-15_196-9del (NM_001199984.2).
Identifiers: ClinVar variation 767843 (VCV000767843.4), dbSNP rs568965659, ClinGen allele CA2070865.